The following is an entry in ClinVar:

ClinVar aggregate classification (germline): Uncertain significance (1 of 4 stars; one submission).

Conditions:
Arrhythmogenic right ventricular dysplasia 8 (ARVD8). Also called: ARRHYTHMOGENIC RIGHT VENTRICULAR DYSPLASIA, FAMILIAL, 8; ARRHYTHMOGENIC RIGHT VENTRICULAR CARDIOMYOPATHY 8; Arrhythmogenic Right Ventricular Dysplasia/Cardiomyopathy 8. Identifiers: MedGen C1843896, MONDO:0011831, OMIM 607450.

Submission:

Victorian Clinical Genetics Services, Murdoch Childrens Research Institute
Classification: Uncertain significance for Arrhythmogenic right ventricular dysplasia 8. Last evaluated: 2020-05-21. Review status: criteria provided, single submitter. Criteria: ACMG Guidelines, 2015. Collection method: clinical testing. Allele origin: germline.
Comment: Based on the classification scheme VCGS_Germline_v1.1.1, this variant is classified as a 3B-VUS. Following criteria are met: 0102 - Loss-of-function is a known mechanism of disease for this gene. (N) 0108 - This gene is known to be associated with both recessive and dominant disease. (N) 0200 - Variant is predicted to result in a missense amino acid change from a threonine to an alanine (exon 24). (N) 0251 - Variant is heterozygous. (N) 0301 - Variant is absent from gnomAD. (P) 0502 - Missense variant with conflicting in silico predictions and/or uninformative conservation. (N) 0600 - Variant is located in an annotated domain or motif (Plectin repeat domain; NCBI) (N) 0705 - No comparable variants have previous evidence for pathogenicity. (N) 0807 - Variant has not previously been reported in a clinical context. (N) 0905 - No segregation evidence has been identified for this variant. (N) 1007 - No published functional evidence has been identified for this variant. (N) 1208 - Segregation information for this variant is not currently available. (N) Legend: (P) - Pathogenic, (N) - Neutral, (B) - Benign

NM_004415.4(DSP):c.6280A>G (p.Thr2094Ala)

Gene: DSP (desmoplakin; plus strand). Cytogenetic location: 6p24.3.
Variant type: single nucleotide variant.
Coding change: c.6280A>G on transcript NM_004415.4 (MANE Select); coding-DNA position 6280, A replaced by G.
Protein change: p.Thr2094Ala; replaces threonine 2094 with alanine.
Molecular consequence: missense variant.
Genome position (GRCh38, 1-based): chr6:7,583,542, A>G. VCF-style: chr6-7583542-A-G. GRCh37 (hg19) VCF-style: chr6-7583775-A-G.
Other names: c.4483A>G, p.Thr1495Ala (NM_001008844.3); c.4951A>G, p.Thr1651Ala (NM_001319034.2); short protein forms T1495A, T1651A, T2094A.
Identifiers: ClinVar variation 3377471 (VCV003377471.1).